The following is an entry in ClinVar:

ClinVar aggregate classification (germline): Uncertain significance (1 of 4 stars; one submission).

Submission:

Labcorp Genetics (formerly Invitae), Labcorp
Classification: Uncertain significance. Last evaluated: 2021-12-12. Review status: criteria provided, single submitter. Criteria: Invitae Variant Classification Sherloc (09022015). Collection method: clinical testing. Allele origin: germline.
Comment: In summary, the available evidence is currently insufficient to determine the role of this variant in disease. Therefore, it has been classified as a Variant of Uncertain Significance. Algorithms developed to predict the effect of missense changes on protein structure and function output the following: SIFT: "Tolerated"; PolyPhen-2: "Benign"; Align-GVGD: "Class C0". The alanine amino acid residue is found in multiple mammalian species, which suggests that this missense change does not adversely affect protein function. This variant has not been reported in the literature in individuals affected with IL2RB-related conditions. This variant is not present in population databases (gnomAD no frequency). This sequence change replaces aspartic acid, which is acidic and polar, with alanine, which is neutral and non-polar, at codon 341 of the IL2RB protein (p.Asp341Ala).

NM_000878.5(IL2RB):c.1022A>C (p.Asp341Ala)

Gene: IL2RB (interleukin 2 receptor subunit beta; minus strand). Cytogenetic location: 22q12.3.
Variant type: single nucleotide variant.
Coding change: c.1022A>C on transcript NM_000878.5 (MANE Select); coding-DNA position 1022, A replaced by C.
Protein change: p.Asp341Ala; replaces aspartic acid 341 with alanine.
Molecular consequence: missense variant.
Genome position (GRCh38, 1-based): chr22:37,128,730, T>G on the plus strand (A>C on the coding strand, the complement: IL2RB is on the minus strand). VCF-style: chr22-37128730-T-G. GRCh37 (hg19) VCF-style: chr22-37524770-T-G.
Other names: c.1022A>C, p.Asp341Ala (NM_001346222.1, NM_001346223.2); short protein forms D341A.
Identifiers: ClinVar variation 2040739 (VCV002040739.4), dbSNP rs2517833285, ClinGen allele CA411425427.